The following is an entry in ClinVar:

ClinVar aggregate classification (germline): Pathogenic. Review status: criteria provided, multiple submitters, no conflicts (2 of 4 stars). 2 submissions from 2 submitters: Pathogenic (2). Last evaluated 2026-02-27.

Conditions:
Hereditary cancer-predisposing syndrome. Also called: Tumor predisposition; Hereditary neoplastic syndrome; Hereditary Cancer Syndrome; Neoplastic Syndromes, Hereditary. Identifiers: Orphanet 140162, MedGen C0027672, MeSH D009386, MONDO:0015356.
Hereditary breast ovarian cancer syndrome. Also called: Hereditary breast and ovarian cancer; Breast and ovarian cancer; BRCA1- and BRCA2-Associated Hereditary Breast and Ovarian Cancer; Hereditary breast and ovarian cancer syndrome (HBOC); Hereditary breast and/or ovarian cancer syndrome; Hereditary breast and ovarian cancer syndrome. Identifiers: Orphanet 145, MedGen C0677776, MeSH D061325, MONDO:0003582. Disease mechanism: loss of function.

Submissions (2):

Ambry Genetics
Classification: Pathogenic for Hereditary cancer-predisposing syndrome. Last evaluated: 2026-02-27. Review status: criteria provided, single submitter. Criteria: Ambry Variant Classification Scheme 2023. Collection method: clinical testing. Allele origin: germline.
Comment: The c.8208_8209delCT pathogenic mutation, located in coding exon 17 of the BRCA2 gene, results from a deletion of two nucleotides at nucleotide positions 8208 to 8209, causing a translational frameshift with a predicted alternate stop codon (p.L2737Sfs*26). This variant is considered to be rare based on population cohorts in the Genome Aggregation Database (gnomAD). This alteration is expected to result in loss of function by premature protein truncation or nonsense-mediated mRNA decay. As such, this alteration is interpreted as a disease-causing mutation.

Labcorp Genetics (formerly Invitae), Labcorp
Classification: Pathogenic for Hereditary breast ovarian cancer syndrome. Last evaluated: 2022-09-09. Review status: criteria provided, single submitter. Criteria: Invitae Variant Classification Sherloc (09022015). Collection method: clinical testing. Allele origin: germline.
Comment: This sequence change creates a premature translational stop signal (p.Leu2737Serfs*26) in the BRCA2 gene. It is expected to result in an absent or disrupted protein product. Loss-of-function variants in BRCA2 are known to be pathogenic (PMID: 20104584). This variant is not present in population databases (gnomAD no frequency). This variant has not been reported in the literature in individuals affected with BRCA2-related conditions. ClinVar contains an entry for this variant (Variation ID: 943570). For these reasons, this variant has been classified as Pathogenic.

Literature cited by the submitters: PubMed 20104584 (cited by Labcorp Genetics (formerly Invitae), Labcorp).

NM_000059.4(BRCA2):c.8208_8209del (p.Leu2737fs)

Gene: BRCA2 (BRCA2 DNA repair associated; plus strand). Cytogenetic location: 13q13.1.
Variant type: Microsatellite.
Coding change: c.8208_8209del on transcript NM_000059.4 (MANE Select); coding-DNA positions 8208 to 8209, 2 bases deleted (CT; older notation c.8208_8209delCT).
Protein change: p.Leu2737fs; shifts the reading frame from leucine 2737.
Molecular consequence: frameshift variant.
Genome position (GRCh38, 1-based): chr13:32,363,410-32,363,411, CT deleted; deleting any 2 consecutive bases within chr13:32,363,408-32,363,411 gives the same sequence; the c. name uses the placement nearest the transcript's 3' end. VCF-style (leftmost placement, unchanged base first): chr13-32363407-CCT-C. GRCh37 (hg19) VCF-style: chr13-32937544-CCT-C.
Other names: c.8208_8209delCT (NM_000059.3); short protein forms L2737fs.
Identifiers: ClinVar variation 943570 (VCV000943570.9), dbSNP rs2072758927, ClinGen allele CA2082836346.